The following is an entry in ClinVar:

NM_000843.4(GRM6):c.1592T>C (p.Val531Ala)

Genes: GRM6 (glutamate metabotropic receptor 6; minus strand), ZNF454 (zinc finger protein 454; plus strand). Cytogenetic location: 5q35.3.
Variant type: single nucleotide variant.
Coding change: c.1592T>C on transcript NM_000843.4 (MANE Select); coding-DNA position 1592, T replaced by C.
Protein change: p.Val531Ala; replaces valine 531 with alanine.
Molecular consequence: missense variant.
Genome position (GRCh38, 1-based): chr5:178,986,662, A>G on the plus strand (T>C on the coding strand, the complement: GRM6 is on the minus strand). VCF-style: chr5-178986662-A-G. GRCh37 (hg19) VCF-style: chr5-178413663-A-G.
Other names: short protein forms V531A.
Identifiers: ClinVar variation 3720640 (VCV003720640.2).

ClinVar aggregate classification (germline): Uncertain significance (1 of 4 stars; one submission).

Submission:

Labcorp Genetics (formerly Invitae), Labcorp
Classification: Uncertain significance. Last evaluated: 2025-10-02. Review status: criteria provided, single submitter. Criteria: Invitae Variant Classification Sherloc (09022015). Collection method: clinical testing. Allele origin: germline.
Comment: This sequence change replaces valine, which is neutral and non-polar, with alanine, which is neutral and non-polar, at codon 531 of the GRM6 protein (p.Val531Ala). This variant is not present in population databases (gnomAD no frequency). This variant has not been reported in the literature in individuals affected with GRM6-related conditions. ClinVar contains an entry for this variant (Variation ID: 3720640). Invitae Evidence Modeling of protein sequence and biophysical properties (such as structural, functional, and spatial information, amino acid conservation, physicochemical variation, residue mobility, and thermodynamic stability) indicates that this missense variant is not expected to disrupt GRM6 protein function with a negative predictive value of 95%. In summary, the available evidence is currently insufficient to determine the role of this variant in disease. Therefore, it has been classified as a Variant of Uncertain Significance.